The following is an entry in ClinVar:

NM_017617.5(NOTCH1):c.6703C>T (p.Pro2235Ser)

Gene: NOTCH1 (notch receptor 1; minus strand). Cytogenetic location: 9q34.3.
Variant type: single nucleotide variant.
Coding change: c.6703C>T on transcript NM_017617.5 (MANE Select); coding-DNA position 6703, C replaced by T.
Protein change: p.Pro2235Ser; replaces proline 2235 with serine.
Molecular consequence: missense variant.
Genome position (GRCh38, 1-based): chr9:136,497,036, G>A on the plus strand (C>T on the coding strand, the complement: NOTCH1 is on the minus strand). VCF-style: chr9-136497036-G-A. GRCh37 (hg19) VCF-style: chr9-139391488-G-A.
Other names: short protein forms P2235S.
Identifiers: ClinVar variation 4708199 (VCV004708199.1).
Genomic context (GRCh38, chr9:136,497,036, plus strand): 5'-TCTCGGGCTTGGCCGCCACGTTCAGGTGCCCGATGCCCAGGTGGGTGTCGGGCATCCCAG[G>A]CAGGTGGTTGAGGGGCACGGACGGAGACTGCTGGAACGGGGAGGGCAGCAGTGGCGGCGA-3'
Protein context (NP_060087.3, residues 2225-2245): QSPSVPLNHL[Pro2235Ser]GMPDTHLGIG

ClinVar aggregate classification (germline): Uncertain significance (1 of 4 stars; one submission).

Conditions:
Adams-Oliver syndrome 5 (AOS5). Identifiers: Orphanet 974, MedGen C4014970, MONDO:0014459, OMIM 616028.

gnomAD v4.1: 3 of 1,609,530 alleles (0.00019%); highest among the groups gnomAD compares: Non-Finnish European, 0.00025%; no homozygotes.

Submission:

Labcorp Genetics (formerly Invitae), Labcorp
Classification: Uncertain significance for Adams-Oliver syndrome 5. Last evaluated: 2025-12-21. Review status: criteria provided, single submitter. Criteria: Invitae Variant Classification Sherloc (09022015). Collection method: clinical testing. Allele origin: germline.
Comment: This sequence change replaces proline, which is neutral and non-polar, with serine, which is neutral and polar, at codon 2235 of the NOTCH1 protein (p.Pro2235Ser). This variant is not present in population databases (gnomAD no frequency). This variant has not been reported in the literature in individuals affected with NOTCH1-related conditions. Invitae Evidence Modeling of protein sequence and biophysical properties (such as structural, functional, and spatial information, amino acid conservation, physicochemical variation, residue mobility, and thermodynamic stability) indicates that this missense variant is not expected to disrupt NOTCH1 protein function with a negative predictive value of 95%. In summary, the available evidence is currently insufficient to determine the role of this variant in disease. Therefore, it has been classified as a Variant of Uncertain Significance.